The following is an entry in ClinVar:

ClinVar aggregate classification (germline): Uncertain significance. Review status: criteria provided, multiple submitters, no conflicts (2 of 4 stars). 2 submissions from 2 submitters: Uncertain significance (2). Last evaluated 2025-12-20.

Conditions:
Inborn genetic diseases. Identifiers: MedGen C0950123, MeSH D030342.

Allele frequency attached by ClinVar (database versions not stated): gnomAD exomes 0.00006; TOPMed 0.00006; ESP Exome Variant Server 0.00008; gnomAD 0.00005; ExAC 0.00006.
gnomAD v4.1: 103 of 1,614,050 alleles (0.0064%); highest among the groups gnomAD compares: Middle Eastern, 0.099%; no homozygotes.

Submissions (2):

Labcorp Genetics (formerly Invitae), Labcorp
Classification: Uncertain significance. Last evaluated: 2025-12-20. Review status: criteria provided, single submitter. Criteria: Invitae Variant Classification Sherloc (09022015). Collection method: clinical testing. Allele origin: germline.
Comment: This sequence change replaces glutamic acid, which is acidic and polar, with lysine, which is basic and polar, at codon 1367 of the BPTF protein (p.Glu1367Lys). This variant is present in population databases (rs201523219, gnomAD 0.008%). This variant has not been reported in the literature in individuals affected with BPTF-related conditions. ClinVar contains an entry for this variant (Variation ID: 2059545). An algorithm developed to predict the effect of missense changes on protein structure and function (PolyPhen-2) suggests that this variant is likely to be tolerated. In summary, the available evidence is currently insufficient to determine the role of this variant in disease. Therefore, it has been classified as a Variant of Uncertain Significance.

Ambry Genetics
Classification: Uncertain significance for Inborn genetic diseases. Last evaluated: 2021-07-15. Review status: criteria provided, single submitter. Criteria: Ambry Variant Classification Scheme 2023. Collection method: clinical testing. Allele origin: germline.

NM_182641.4(BPTF):c.3721G>A (p.Glu1241Lys)

Gene: BPTF (bromodomain PHD finger transcription factor; plus strand). Cytogenetic location: 17q24.2.
Variant type: single nucleotide variant.
Coding change: c.3721G>A on transcript NM_182641.4 (MANE Select); coding-DNA position 3721, G replaced by A.
Protein change: p.Glu1241Lys; replaces glutamic acid 1241 with lysine.
Molecular consequence: missense variant.
Genome position (GRCh38, 1-based): chr17:67,911,605, G>A. VCF-style: chr17-67911605-G-A. GRCh37 (hg19) VCF-style: chr17-65907721-G-A.
Other names: c.4099G>A, p.Glu1367Lys (NM_004459.7); short protein forms E1367K, E1241K.
Identifiers: ClinVar variation 2059545 (VCV002059545.4), dbSNP rs201523219, ClinGen allele CA8725690.